The following is an entry in ClinVar:

NM_001017420.3(ESCO2):c.1354-2A>G

Gene: ESCO2 (establishment of sister chromatid cohesion N-acetyltransferase 2; plus strand). Cytogenetic location: 8p21.1.
Variant type: single nucleotide variant.
Coding change: c.1354-2A>G on transcript NM_001017420.3 (MANE Select); the canonical splice acceptor site of the intron before coding-DNA position 1354, A replaced by G.
Molecular consequence: splice acceptor variant.
Genome position (GRCh38, 1-based): chr8:27,792,666, A>G. VCF-style: chr8-27792666-A-G. GRCh37 (hg19) VCF-style: chr8-27650183-A-G.
Identifiers: ClinVar variation 2896078 (VCV002896078.3), dbSNP rs2486665444, ClinGen allele CA370825197.

ClinVar aggregate classification (germline): Likely pathogenic (1 of 4 stars; one submission).

gnomAD v4.1: 1 of 1,612,064 alleles (0.000062%); no homozygotes.

Submission:

Labcorp Genetics (formerly Invitae), Labcorp
Classification: Likely pathogenic. Last evaluated: 2023-12-26. Review status: criteria provided, single submitter. Criteria: Invitae Variant Classification Sherloc (09022015). Collection method: clinical testing. Allele origin: germline.
Comment: This sequence change affects an acceptor splice site in intron 8 of the ESCO2 gene. It is expected to disrupt RNA splicing. Variants that disrupt the donor or acceptor splice site typically lead to a loss of protein function (PMID: 16199547), and loss-of-function variants in ESCO2 are known to be pathogenic (PMID: 15821733, 16380922). This variant is not present in population databases (gnomAD no frequency). This variant has not been reported in the literature in individuals affected with ESCO2-related conditions. Algorithms developed to predict the effect of sequence changes on RNA splicing suggest that this variant may disrupt the consensus splice site. In summary, the currently available evidence indicates that the variant is pathogenic, but additional data are needed to prove that conclusively. Therefore, this variant has been classified as Likely Pathogenic.

Literature cited by the submitters: PubMed 16199547; PubMed 15821733; PubMed 16380922.